The following is an entry in ClinVar:

NM_001384140.1(PCDH15):c.2843_2847dup (p.Ala950fs)

Gene: PCDH15 (protocadherin related 15; minus strand). Cytogenetic location: 10q21.1.
Variant type: Duplication.
Coding change: c.2843_2847dup on transcript NM_001384140.1 (MANE Select); coding-DNA positions 2843 to 2847, 5 bases duplicated (TTTAT; older notation c.2843_2847dupTTTAT).
Protein change: p.Ala950fs; shifts the reading frame from alanine 950.
Molecular consequence: frameshift variant.
Genome position (GRCh38, 1-based): chr10:53,995,670-53,995,674, ATAAA duplicated on the plus strand (TTTAT on the coding strand, the reverse complement: PCDH15 is on the minus strand). VCF-style (leftmost placement, unchanged base first): chr10-53995669-C-CATAAA. GRCh37 (hg19) VCF-style: chr10-55755429-C-CATAAA.
Other names: c.2858_2862dup, p.Ala955fs (NM_001142763.2, NM_001142771.2); c.2843_2847dup, p.Ala950fs (NM_001142764.2, NM_001142766.2, NM_001142770.3 and 5 more transcripts); c.2630_2634dup, p.Ala879fs (NM_001142765.2); c.2732_2736dup, p.Ala913fs (NM_001142767.2); c.2777_2781dup, p.Ala928fs (NM_001142768.2, NM_001142773.2, NM_001354404.2); c.2879_2883dup, p.Ala962Phefs (NM_001142769.4); c.2864_2868dup, p.Ala957fs (NM_001354411.2); short protein forms A879fs, A913fs, A928fs, A950fs, A955fs, A957fs, A962fs.
Identifiers: ClinVar variation 1526060 (VCV001526060.1), dbSNP rs2134901685, ClinGen allele CA2573145125.

ClinVar aggregate classification (germline): Pathogenic (1 of 4 stars; one submission).

Conditions:
Autosomal recessive nonsyndromic hearing loss 23. Identifiers: Orphanet 90636, MedGen C1836027, MONDO:0012293, OMIM 609533.

Submission:

3billion
Classification: Pathogenic for Autosomal recessive nonsyndromic hearing loss 23. Last evaluated: 2022-03-22. Review status: criteria provided, single submitter. Criteria: ACMG Guidelines, 2015. Collection method: clinical testing. Allele origin: germline. Affected: yes. Observed: 1 homozygote.
Comment: Frameshift: predicted to result in a loss or disruption of normal protein function through nonsense-mediated decay (NMD) or protein truncation. Multiple pathogenic variants are reported downstream of the variant.It is not observed in the gnomAD v2.1.1 dataset. Therefore, this variant is classified as pathogenic according to the recommendation of ACMG/AMP guideline.